The following is an entry in ClinVar:

ClinVar aggregate classification (germline): Conflicting classifications of pathogenicity. Review status: criteria provided, conflicting classifications (1 of 4 stars). 3 submissions from 3 submitters: Uncertain significance (2); Likely benign (1). Last evaluated 2025-06-19.

Conditions:
Inborn genetic diseases. Identifiers: MedGen C0950123, MeSH D030342.

Allele frequency attached by ClinVar (database versions not stated): gnomAD 0.00001; gnomAD exomes 0.00001; ExAC 0.00003.
gnomAD v4.1: 4 of 1,210,443 alleles (0.00033%); highest among the groups gnomAD compares: Admixed American, 0.0087%; no homozygotes.

Submissions (3):

Ambry Genetics
Classification: Likely benign for Inborn genetic diseases. Last evaluated: 2025-06-19. Review status: criteria provided, single submitter. Criteria: Ambry Variant Classification Scheme 2023. Collection method: clinical testing. Allele origin: germline.

Women's Health and Genetics/Laboratory Corporation of America, LabCorp
Classification: Uncertain significance. Last evaluated: 2025-03-17. Review status: criteria provided, single submitter. Criteria: LabCorp Variant Classification Summary - May 2015. Collection method: clinical testing. Allele origin: germline.
Comment: Variant summary: AMER1 c.184G>C (p.Gly62Arg) results in a non-conservative amino acid change in the encoded protein sequence. Three of five in-silico tools predict a damaging effect of the variant on protein function. The variant allele was found at a frequency of 1.6e-05 in 183436 control chromosomes. The available data on variant occurrences in the general population are insufficient to allow any conclusion about variant significance. To our knowledge, no occurrence of c.184G>C in individuals affected with Osteopathia Striata With Cranial Sclerosis and no experimental evidence demonstrating its impact on protein function have been reported. ClinVar contains an entry for this variant (Variation ID: 1957944). Based on the evidence outlined above, the variant was classified as uncertain significance.

Labcorp Genetics (formerly Invitae), Labcorp
Classification: Uncertain significance. Last evaluated: 2022-05-04. Review status: criteria provided, single submitter. Criteria: Invitae Variant Classification Sherloc (09022015). Collection method: clinical testing. Allele origin: germline.
Comment: This variant has not been reported in the literature in individuals affected with AMER1-related conditions. This variant is present in population databases (rs780369368, gnomAD 0.01%), including at least one homozygous and/or hemizygous individual. This sequence change replaces glycine, which is neutral and non-polar, with arginine, which is basic and polar, at codon 62 of the AMER1 protein (p.Gly62Arg). Algorithms developed to predict the effect of missense changes on protein structure and function are either unavailable or do not agree on the potential impact of this missense change (SIFT: "Deleterious"; PolyPhen-2: "Probably Damaging"; Align-GVGD: "Class C0"). In summary, the available evidence is currently insufficient to determine the role of this variant in disease. Therefore, it has been classified as a Variant of Uncertain Significance.

NM_152424.4(AMER1):c.184G>C (p.Gly62Arg)

Gene: AMER1 (APC membrane recruitment protein 1; minus strand). Cytogenetic location: Xq11.2.
Variant type: single nucleotide variant.
Coding change: c.184G>C on transcript NM_152424.4 (MANE Select); coding-DNA position 184, G replaced by C.
Protein change: p.Gly62Arg; replaces glycine 62 with arginine.
Molecular consequence: missense variant.
Genome position (GRCh38, 1-based): chrX:64,193,103, C>G on the plus strand (G>C on the coding strand, the complement: AMER1 is on the minus strand). VCF-style: chrX-64193103-C-G. GRCh37 (hg19) VCF-style: chrX-63412983-C-G.
Other names: c.184G>C (NM_152424.3); short protein forms G62R.
Identifiers: ClinVar variation 1957944 (VCV001957944.7), dbSNP rs780369368, ClinGen allele CA10432525.